The following is an entry in ClinVar:

NM_001145715.3(KPNA7):c.404C>T (p.Ala135Val)

Gene: KPNA7 (karyopherin subunit alpha 7; minus strand). Cytogenetic location: 7q22.1.
Variant type: single nucleotide variant.
Coding change: c.404C>T on transcript NM_001145715.3 (MANE Select); coding-DNA position 404, C replaced by T.
Protein change: p.Ala135Val; replaces alanine 135 with valine.
Molecular consequence: missense variant.
Genome position (GRCh38, 1-based): chr7:99,195,219, G>A on the plus strand (C>T on the coding strand, the complement: KPNA7 is on the minus strand). VCF-style: chr7-99195219-G-A. GRCh37 (hg19) VCF-style: chr7-98792842-G-A.
Other names: short protein forms A135V.
Identifiers: ClinVar variation 2064290 (VCV002064290.4), dbSNP rs2535521403, ClinGen allele CA368420622.
Genomic context (GRCh38, chr7:99,195,219, plus strand): 5'-CCTTCTACCACGGCACGAGTCTGCTCCGAAGTCCCTGAAGCGATGTTGGTCAGGGCCCAG[G>A]CAGCCTCAAACTGCAAGCAGGGGTAAAGTGATGACTTCAGGAACTCCACCATCCTGGGAA-3'
Protein context (NP_001139187.1, residues 125-145): SLYPCLQFEA[Ala135Val]WALTNIASGT

ClinVar aggregate classification (germline): Uncertain significance (1 of 4 stars; one submission).

Allele frequency attached by ClinVar (database versions not stated): gnomAD exomes below 0.00001.
gnomAD v4.1: 1 of 1,551,662 alleles (0.000064%); highest among the groups gnomAD compares: South Asian, 0.0012%; no homozygotes.

Submission:

Labcorp Genetics (formerly Invitae), Labcorp
Classification: Uncertain significance. Last evaluated: 2021-12-28. Review status: criteria provided, single submitter. Criteria: Invitae Variant Classification Sherloc (09022015). Collection method: clinical testing. Allele origin: germline.
Comment: In summary, the available evidence is currently insufficient to determine the role of this variant in disease. Therefore, it has been classified as a Variant of Uncertain Significance. Algorithms developed to predict the effect of missense changes on protein structure and function (SIFT, PolyPhen-2, Align-GVGD) all suggest that this variant is likely to be disruptive. This variant has not been reported in the literature in individuals affected with KPNA7-related conditions. This variant is not present in population databases (gnomAD no frequency). This sequence change replaces alanine, which is neutral and non-polar, with valine, which is neutral and non-polar, at codon 135 of the KPNA7 protein (p.Ala135Val).